The following is an entry in ClinVar:

NM_018685.5(ANLN):c.3251A>C (p.Lys1084Thr)

Gene: ANLN (anillin, actin binding protein; plus strand). Cytogenetic location: 7p14.2.
Variant type: single nucleotide variant.
Coding change: c.3251A>C on transcript NM_018685.5 (MANE Select); coding-DNA position 3251, A replaced by C.
Protein change: p.Lys1084Thr; replaces lysine 1084 with threonine.
Molecular consequence: missense variant.
Genome position (GRCh38, 1-based): chr7:36,449,837, A>C. VCF-style: chr7-36449837-A-C. GRCh37 (hg19) VCF-style: chr7-36489446-A-C.
Other names: c.3140A>C, p.Lys1047Thr (NM_001284301.3); c.3137A>C, p.Lys1046Thr (NM_001284302.3); short protein forms K1046T, K1047T, K1084T.
Identifiers: ClinVar variation 1051322 (VCV001051322.9), dbSNP rs2116836016, ClinGen allele CA367200978.

ClinVar aggregate classification (germline): Uncertain significance (1 of 4 stars; one submission).

Submission:

Labcorp Genetics (formerly Invitae), Labcorp
Classification: Uncertain significance. Last evaluated: 2020-08-19. Review status: criteria provided, single submitter. Criteria: Invitae Variant Classification Sherloc (09022015). Collection method: clinical testing. Allele origin: germline.
Comment: This sequence change replaces lysine with threonine at codon 1084 of the ANLN protein (p.Lys1084Thr). The lysine residue is moderately conserved and there is a moderate physicochemical difference between lysine and threonine. This variant is not present in population databases (ExAC no frequency). This variant has not been reported in the literature in individuals with ANLN-related conditions. Algorithms developed to predict the effect of missense changes on protein structure and function are either unavailable or do not agree on the potential impact of this missense change (SIFT: "Deleterious"; PolyPhen-2: "Possibly Damaging"; Align-GVGD: "Class C0"). In summary, the available evidence is currently insufficient to determine the role of this variant in disease. Therefore, it has been classified as a Variant of Uncertain Significance.